The following is an entry in ClinVar:

ClinVar aggregate classification (germline): Likely benign (1 of 4 stars; one submission).

Submission:

CeGaT Center for Human Genetics Tuebingen
Classification: Likely benign. Last evaluated: 2025-07-01. Review status: criteria provided, single submitter. Criteria: CeGaT Center For Human Genetics Tuebingen Variant Classification Criteria Version 2. Collection method: clinical testing. Allele origin: germline. Affected: yes. Observed: 1 variant allele.
Comment: AUTS2: PM2:Supporting, BP4, BP7

NM_015570.4(AUTS2):c.141A>C (p.Ser47=)

Gene: AUTS2 (activator of transcription and developmental regulator AUTS2; plus strand). Cytogenetic location: 7q11.22.
Variant type: single nucleotide variant.
Coding change: c.141A>C on transcript NM_015570.4 (MANE Select); coding-DNA position 141, A replaced by C.
Protein change: p.Ser47=; no amino-acid change (serine 47 retained).
Molecular consequence: synonymous variant.
Genome position (GRCh38, 1-based): chr7:69,599,794, A>C. VCF-style: chr7-69599794-A-C. GRCh37 (hg19) VCF-style: chr7-69064780-A-C.
Other names: c.141A>C, p.Ser47= (NM_001127231.3, NM_001127232.3).
Identifiers: ClinVar variation 4085476 (VCV004085476.8).